The following is an entry in ClinVar:

NM_002951.5(RPN2):c.313T>G (p.Ser105Ala)

Gene: RPN2 (ribophorin II; plus strand). Cytogenetic location: 20q11.23.
Variant type: single nucleotide variant.
Coding change: c.313T>G on transcript NM_002951.5 (MANE Select); coding-DNA position 313, T replaced by G.
Protein change: p.Ser105Ala; replaces serine 105 with alanine.
Molecular consequence: missense variant. On other transcripts: intron variant (1).
Genome position (GRCh38, 1-based): chr20:37,199,059, T>G. VCF-style: chr20-37199059-T-G. GRCh37 (hg19) VCF-style: chr20-35827462-T-G.
Other names: c.217T>G, p.Ser73Ala (NM_001135771.3); c.313T>G, p.Ser105Ala (NM_001324299.2, NM_001324301.2, NM_001324302.2 and 3 more transcripts); c.9-4826T>G (NM_001324306.2); short protein forms S105A, S73A.
Identifiers: ClinVar variation 460291 (VCV000460291.7), dbSNP rs750026130, ClinGen allele CA314301220.

ClinVar aggregate classification (germline): Uncertain significance (1 of 4 stars; one submission).

Conditions:
Congenital disorder of glycosylation (CDG). Also called: Carbohydrate-deficient glycoprotein syndrome; Congenital disorders of glycosylation. Identifiers: Orphanet 137, MedGen C0282577, MONDO:0015286.

Allele frequency attached by ClinVar (database versions not stated): gnomAD exomes below 0.00001.
gnomAD v4.1: 4 of 1,612,754 alleles (0.00025%); highest among the groups gnomAD compares: Non-Finnish European, 0.00034%; no homozygotes.

Submission:

Labcorp Genetics (formerly Invitae), Labcorp
Classification: Uncertain significance for Congenital disorder of glycosylation. Last evaluated: 2017-05-21. Review status: criteria provided, single submitter. Criteria: Invitae Variant Classification Sherloc (09022015). Collection method: clinical testing. Allele origin: germline.
Comment: This sequence change replaces serine with alanine at codon 105 of the RPN2 protein (p.Ser105Ala). The serine residue is highly conserved and there is a moderate physicochemical difference between serine and alanine. This variant is not present in population databases (ExAC no frequency). This variant has not been reported in the literature in individuals with a RPN2-related disease. Algorithms developed to predict the effect of missense changes on protein structure and function do not agree on the potential impact of this missense change (SIFT: "tolerated"; PolyPhen-2: "Possibly Damaging"; Align-GVGD: "Class C0"). In summary, this variant has uncertain impact on RPN2 function. The available evidence is currently insufficient to determine its role in disease. Therefore, it has been classified as a Variant of Uncertain Significance.